The following is an entry in ClinVar:

NM_032043.3(BRIP1):c.1885G>C (p.Val629Leu)

Gene: BRIP1 (BRCA1 interacting DNA helicase 1; minus strand). Cytogenetic location: 17q23.2.
Variant type: single nucleotide variant.
Coding change: c.1885G>C on transcript NM_032043.3 (MANE Select); coding-DNA position 1885, G replaced by C.
Protein change: p.Val629Leu; replaces valine 629 with leucine.
Molecular consequence: missense variant.
Genome position (GRCh38, 1-based): chr17:61,780,311, C>G on the plus strand (G>C on the coding strand, the complement: BRIP1 is on the minus strand). VCF-style: chr17-61780311-C-G. GRCh37 (hg19) VCF-style: chr17-59857672-C-G.
Other names: short protein forms V629L.
Identifiers: ClinVar variation 479481 (VCV000479481.5), dbSNP rs1555602164, ClinGen allele CA400479347.
Genomic context (GRCh38, chr17:61,780,311, plus strand): 5'-AACAACTAACCTGTGAATTTTTAATGATATGATTAGCCTCCAGCTGGATAGTAAATGTAA[C>G]ACCAAGTTCTGACGAAAAGGATTTCATTGGTGATAATGTACCAGATGTCAAAACAATGGT-3'
Protein context (NP_114432.2, residues 619-639): PMKSFSSELG[Val629Leu]TFTIQLEANH

ClinVar aggregate classification (germline): Uncertain significance (1 of 4 stars; one submission).

Conditions:
Hereditary cancer-predisposing syndrome. Also called: Neoplastic Syndromes, Hereditary; Hereditary Cancer Syndrome; Hereditary neoplastic syndrome; Tumor predisposition. Identifiers: Orphanet 140162, MedGen C0027672, MeSH D009386, MONDO:0015356.

Submission:

Ambry Genetics
Classification: Uncertain significance for Hereditary cancer-predisposing syndrome. Last evaluated: 2017-08-30. Review status: criteria provided, single submitter. Criteria: Ambry Variant Classification Scheme 2023. Collection method: clinical testing. Allele origin: germline.
Comment: The p.V629L variant (also known as c.1885G>C), located in coding exon 12 of the BRIP1 gene, results from a G to C substitution at nucleotide position 1885. The valine at codon 629 is replaced by leucine, an amino acid with highly similar properties. This amino acid position is highly conserved in available vertebrate species. In addition, this alteration is predicted to be tolerated by in silico analysis. Since supporting evidence is limited at this time, the clinical significance of this alteration remains unclear.